The following is an entry in ClinVar:

ClinVar aggregate classification (germline): Uncertain significance. Review status: criteria provided, multiple submitters, no conflicts (2 of 4 stars). 3 submissions from 3 submitters: Uncertain significance (3). Last evaluated 2025-12-16.

Conditions:
Inborn genetic diseases. Identifiers: MedGen C0950123, MeSH D030342.
Normophosphatemic familial tumoral calcinosis. Also called: CALCINOSIS, TUMORAL, WITH NORMOPHOSPHATEMIA. Identifiers: Orphanet 306658, Orphanet 53715, MedGen C1864861, MONDO:0012502, OMIM 610455.

Allele frequency attached by ClinVar (database versions not stated): TOPMed 0.00002; ExAC 0.00003; gnomAD 0.00003; gnomAD exomes 0.00003.
gnomAD v4.1: 55 of 1,613,764 alleles (0.0034%); highest among the groups gnomAD compares: South Asian, 0.015%; no homozygotes.

Submissions (3):

Labcorp Genetics (formerly Invitae), Labcorp
Classification: Uncertain significance. Last evaluated: 2025-12-16. Review status: criteria provided, single submitter. Criteria: Invitae Variant Classification Sherloc (09022015). Collection method: clinical testing. Allele origin: germline.
Comment: This sequence change replaces aspartic acid, which is acidic and polar, with asparagine, which is neutral and polar, at codon 668 of the SAMD9 protein (p.Asp668Asn). This variant is present in population databases (rs746976269, gnomAD 0.02%). This variant has not been reported in the literature in individuals affected with SAMD9-related conditions. ClinVar contains an entry for this variant (Variation ID: 2186881). Invitae Evidence Modeling of protein sequence and biophysical properties (such as structural, functional, and spatial information, amino acid conservation, physicochemical variation, residue mobility, and thermodynamic stability) indicates that this missense variant is not expected to disrupt SAMD9 protein function with a negative predictive value of 95%. In summary, the available evidence is currently insufficient to determine the role of this variant in disease. Therefore, it has been classified as a Variant of Uncertain Significance.

Myriad Genetics, Inc.
Classification: Uncertain significance for Normophosphatemic familial tumoral calcinosis. Last evaluated: 2025-09-02. Review status: criteria provided, single submitter. Criteria: Myriad Autosomal Dominant, Autosomal Recessive and X-Linked Classification Criteria (2023). Collection method: clinical testing. Allele origin: unknown.
Comment: NM_017654.3(SAMD9):c.2002G>A(D668N) is a missense variant classified as a variant of uncertain significance in the context of normophosphatemic familial tumoral calcinosis. D668N has not been observed in cases with relevant disease. Relevant functional assessments of this variant are not available in the literature. D668N has been observed in referenced population frequency databases. In summary, there is insufficient evidence to classify NM_017654.3(SAMD9):c.2002G>A(D668N) as pathogenic or benign. Please note: this variant was assessed in the context of healthy population screening.

Ambry Genetics
Classification: Uncertain significance for Inborn genetic diseases. Last evaluated: 2024-11-25. Review status: criteria provided, single submitter. Criteria: Ambry Variant Classification Scheme 2023. Collection method: clinical testing. Allele origin: germline.
Comment: The p.D668N variant (also known as c.2002G>A), located in coding exon 1 of the SAMD9 gene, results from a G to A substitution at nucleotide position 2002. The aspartic acid at codon 668 is replaced by asparagine, an amino acid with highly similar properties. This amino acid position is conserved. In addition, this alteration is predicted to be tolerated by in silico analysis. Based on the available evidence, the clinical significance of this variant remains unclear.

NM_017654.4(SAMD9):c.2002G>A (p.Asp668Asn)

Gene: SAMD9 (sterile alpha motif domain containing 9; minus strand). Cytogenetic location: 7q21.2.
Variant type: single nucleotide variant.
Coding change: c.2002G>A on transcript NM_017654.4 (MANE Select); coding-DNA position 2002, G replaced by A.
Protein change: p.Asp668Asn; replaces aspartic acid 668 with asparagine.
Molecular consequence: missense variant.
Genome position (GRCh38, 1-based): chr7:93,104,096, C>T on the plus strand (G>A on the coding strand, the complement: SAMD9 is on the minus strand). VCF-style: chr7-93104096-C-T. GRCh37 (hg19) VCF-style: chr7-92733409-C-T.
Other names: c.2002G>A (NM_017654.3); c.2002G>A, p.Asp668Asn (NM_001193307.2); short protein forms D668N.
Identifiers: ClinVar variation 2186881 (VCV002186881.6), dbSNP rs746976269, ClinGen allele CA4342901.
Genomic context (GRCh38, chr7:93,104,096, plus strand): 5'-TGCCACCTCGATAGAAGTCTTCCTCTTTTGATGCCTTGAATTCAAGGAATTTATTTTTGT[C>T]CTTCTCTAACAGTGTACCCTCACATTCATTTTCACAGATAATTTCCAGAGCAGTCATGAT-3'
Protein context (NP_060124.2, residues 658-678): NECEGTLLEK[Asp668Asn]KNKFLEFKAS